The following is an entry in ClinVar:

NM_025099.6(CTC1):c.19C>T (p.Gln7Ter)

Genes: CTC1 (CST telomere replication complex component 1; minus strand), PFAS (phosphoribosylformylglycinamidine synthase; plus strand). Cytogenetic location: 17p13.1.
Variant type: single nucleotide variant.
Coding change: c.19C>T on transcript NM_025099.6 (MANE Select); coding-DNA position 19, C replaced by T.
Protein change: p.Gln7Ter; replaces glutamine 7 with a stop codon.
Molecular consequence: nonsense. On other transcripts: non-coding transcript variant (1).
Genome position (GRCh38, 1-based): chr17:8,248,018, G>A on the plus strand (C>T on the coding strand, the complement: CTC1 is on the minus strand). VCF-style: chr17-8248018-G-A. GRCh37 (hg19) VCF-style: chr17-8151336-G-A.
Other names: short protein forms Q7*.
Identifiers: ClinVar variation 943454 (VCV000943454.12), dbSNP rs374877315, ClinGen allele CA8372758.

ClinVar aggregate classification (germline): Pathogenic/Likely pathogenic. Review status: criteria provided, multiple submitters, no conflicts (2 of 4 stars). 6 submissions from 6 submitters: Pathogenic (5); Likely pathogenic (1). Last evaluated 2026-02-23.

Conditions:
CTC1-related disorder. Also called: CTC1-related condition.
Cerebroretinal microangiopathy with calcifications and cysts 1 (CRMCC1). Identifiers: Orphanet 313838, MedGen C4552029, MONDO:0024564, OMIM 612199.
Dyskeratosis congenita. Identifiers: Orphanet 1775, MedGen C0265965, MONDO:0015780.

Allele frequency attached by ClinVar (database versions not stated): ExAC 0.00002; gnomAD exomes 0.00002 and 0.00006; TOPMed 0.00002; gnomAD 0.00003; ESP Exome Variant Server 0.00025.
gnomAD v4.1: 89 of 1,610,140 alleles (0.0055%); highest among the groups gnomAD compares: Middle Eastern, 0.017%; no homozygotes.

Submissions (6):

Dasa
Classification: Pathogenic. Last evaluated: 2026-02-23. Review status: criteria provided, single submitter. Criteria: DASA Assertion Criteria. Collection method: clinical testing. Allele origin: germline.
Comment: NM_025099.6(CTC1):c.19C>T (p.Gln7*) introduces a premature termination codon predicted to result in loss of normal protein function. Loss-of-function is an established mechanism of disease for this gene. This variant has been reported in individuals with related phenotype (PMID: 22267198). The variant is present at low frequency in population datasets. Based on the available data, this variant is classified as pathogenic.

Labcorp Genetics (formerly Invitae), Labcorp
Classification: Pathogenic for Dyskeratosis congenita. Last evaluated: 2026-01-28. Review status: criteria provided, single submitter. Criteria: Invitae Variant Classification Sherloc (09022015). Collection method: clinical testing. Allele origin: germline.
Comment: This sequence change creates a premature translational stop signal (p.Gln7*) in the CTC1 gene. It is expected to result in an absent or disrupted protein product. Loss-of-function variants in CTC1 are known to be pathogenic (PMID: 22267198, 22387016). This variant is present in population databases (rs374877315, gnomAD 0.003%). This premature translational stop signal has been observed in individual(s) with Coats plus syndrome (PMID: 22267198). ClinVar contains an entry for this variant (Variation ID: 943454). For these reasons, this variant has been classified as Pathogenic.

Blueprint Genetics
Classification: Likely pathogenic for CTC1-related disorders. Last evaluated: 2023-08-03. Review status: criteria provided, single submitter. Criteria: ACMG Guidelines, 2015. Collection method: clinical testing. Allele origin: germline. Affected: yes. Observed: 5 variant alleles.

Women's Health and Genetics/Laboratory Corporation of America, LabCorp
Classification: Pathogenic for Cerebroretinal microangiopathy with calcifications and cysts 1. Last evaluated: 2023-06-26. Review status: criteria provided, single submitter. Criteria: LabCorp Variant Classification Summary - May 2015. Collection method: clinical testing. Allele origin: germline.
Comment: Variant summary: CTC1 c.19C>T (p.Gln7X) results in a premature termination codon, predicted to cause a truncation of the encoded protein or absence of the protein due to nonsense mediated decay, which are commonly known mechanisms for disease. The variant allele was found at a frequency of 1.7e-05 in 238272 control chromosomes (gnomAD). The available data on variant occurrences in the general population are insufficient to allow any conclusion about variant significance. c.19C>T has been reported in the literature in individuals affected with Cerebroretinal Microangiopathy With Calcifications And Cysts 1 (e.g., Anderson_2012). These data suggest the variant is likely to be associated with disease. The following publication was ascertained in the context of this evaluation (PMID: 22267198). Three submitters have reported clinical-significance assessments for this variant to ClinVar after 2014. All submitters classified the variant as pathogenic. Based on the evidence outlined above, the variant was classified as pathogenic.

Mendelics
Classification: Pathogenic for Cerebroretinal microangiopathy with calcifications and cysts 1. Last evaluated: 2022-05-04. Review status: criteria provided, single submitter. Criteria: Mendelics Assertion Criteria 2019. Collection method: clinical testing. Allele origin: germline.

Fulgent Genetics
Classification: Pathogenic for Cerebroretinal microangiopathy with calcifications and cysts 1. Last evaluated: 2021-08-12. Review status: criteria provided, single submitter. Criteria: ACMG Guidelines, 2015. Collection method: clinical testing. Allele origin: unknown.

Literature cited by the submitters: PubMed 22267198 (cited by 3 submitters); PubMed 22387016 (cited by Labcorp Genetics (formerly Invitae), Labcorp).